The following is an entry in ClinVar:

ClinVar aggregate classification (germline): Uncertain significance. Review status: criteria provided, multiple submitters, no conflicts (2 of 4 stars). 2 submissions from 2 submitters: Uncertain significance (2). Last evaluated 2024-12-24.

Conditions:
Inborn genetic diseases. Identifiers: MedGen C0950123, MeSH D030342.

Allele frequency attached by ClinVar (database versions not stated): ExAC 0.00001; gnomAD 0.00001 and 0.00002; gnomAD exomes 0.00001 and 0.00002; TOPMed 0.00006; 1000 Genomes Project 0.00020.
gnomAD v4.1: 21 of 1,614,224 alleles (0.0013%); highest among the groups gnomAD compares: Admixed American, 0.015%; no homozygotes.

Submissions (2):

Ambry Genetics
Classification: Uncertain significance for Inborn genetic diseases. Last evaluated: 2024-12-24. Review status: criteria provided, single submitter. Criteria: Ambry Variant Classification Scheme 2023. Collection method: clinical testing. Allele origin: germline.

Labcorp Genetics (formerly Invitae), Labcorp
Classification: Uncertain significance. Last evaluated: 2022-08-09. Review status: criteria provided, single submitter. Criteria: Invitae Variant Classification Sherloc (09022015). Collection method: clinical testing. Allele origin: germline.
Comment: This sequence change replaces isoleucine, which is neutral and non-polar, with valine, which is neutral and non-polar, at codon 126 of the JAM3 protein (p.Ile126Val). This variant is present in population databases (rs555033192, gnomAD 0.01%). This variant has not been reported in the literature in individuals affected with JAM3-related conditions. ClinVar contains an entry for this variant (Variation ID: 1346984). Algorithms developed to predict the effect of missense changes on protein structure and function output the following: SIFT: "Tolerated"; PolyPhen-2: "Benign"; Align-GVGD: "Class C0". The valine amino acid residue is found in multiple mammalian species, which suggests that this missense change does not adversely affect protein function. In summary, the available evidence is currently insufficient to determine the role of this variant in disease. Therefore, it has been classified as a Variant of Uncertain Significance.

NM_032801.5(JAM3):c.376A>G (p.Ile126Val)

Gene: JAM3 (junctional adhesion molecule 3; plus strand). Cytogenetic location: 11q25.
Variant type: single nucleotide variant.
Coding change: c.376A>G on transcript NM_032801.5 (MANE Select); coding-DNA position 376, A replaced by G.
Protein change: p.Ile126Val; replaces isoleucine 126 with valine.
Molecular consequence: missense variant. On other transcripts: intron variant (1).
Genome position (GRCh38, 1-based): chr11:134,144,360, A>G. VCF-style: chr11-134144360-A-G. GRCh37 (hg19) VCF-style: chr11-134014255-A-G.
Other names: c.257-432A>G (NM_001205329.2); c.376A>G (NM_032801.4); short protein forms I126V.
Identifiers: ClinVar variation 1346984 (VCV001346984.4), dbSNP rs555033192, ClinGen allele CA6370012.